The following is an entry in ClinVar:

NM_002439.5(MSH3):c.2343C>A (p.His781Gln)

Gene: MSH3 (mutS homolog 3; plus strand). Cytogenetic location: 5q14.1.
Variant type: single nucleotide variant.
Coding change: c.2343C>A on transcript NM_002439.5 (MANE Select); coding-DNA position 2343, C replaced by A.
Protein change: p.His781Gln; replaces histidine 781 with glutamine.
Molecular consequence: missense variant.
Genome position (GRCh38, 1-based): chr5:80,778,744, C>A. VCF-style: chr5-80778744-C-A. GRCh37 (hg19) VCF-style: chr5-80074563-C-A.
Other names: short protein forms H781Q.
Identifiers: ClinVar variation 1720858 (VCV001720858.5), dbSNP rs1186259743, ClinGen allele CA360281748.

ClinVar aggregate classification (germline): Uncertain significance (1 of 4 stars; one submission).

Submission:

Labcorp Genetics (formerly Invitae), Labcorp
Classification: Uncertain significance. Last evaluated: 2022-10-03. Review status: criteria provided, single submitter. Criteria: Invitae Variant Classification Sherloc (09022015). Collection method: clinical testing. Allele origin: germline.
Comment: This variant is not present in population databases (gnomAD no frequency). This sequence change replaces histidine, which is basic and polar, with glutamine, which is neutral and polar, at codon 781 of the MSH3 protein (p.His781Gln). This variant has not been reported in the literature in individuals affected with MSH3-related conditions. In summary, the available evidence is currently insufficient to determine the role of this variant in disease. Therefore, it has been classified as a Variant of Uncertain Significance. Algorithms developed to predict the effect of missense changes on protein structure and function are either unavailable or do not agree on the potential impact of this missense change (SIFT: "Tolerated"; PolyPhen-2: "Probably Damaging"; Align-GVGD: "Class C0").